The following is an entry in ClinVar:

ClinVar aggregate classification (germline): Uncertain significance. Review status: criteria provided, multiple submitters, no conflicts (2 of 4 stars). 2 submissions from 2 submitters: Uncertain significance (2). Last evaluated 2024-11-22.

Conditions:
Hereditary cancer-predisposing syndrome. Also called: Tumor predisposition; Hereditary Cancer Syndrome; Neoplastic Syndromes, Hereditary; Hereditary neoplastic syndrome. Identifiers: Orphanet 140162, MedGen C0027672, MeSH D009386, MONDO:0015356.

Submissions (2):

Ambry Genetics
Classification: Uncertain significance for Hereditary cancer-predisposing syndrome. Last evaluated: 2024-11-22. Review status: criteria provided, single submitter. Criteria: Ambry Variant Classification Scheme 2023. Collection method: clinical testing. Allele origin: germline.
Comment: The p.S800P variant (also known as c.2398T>C), located in coding exon 15 of the ATM gene, results from a T to C substitution at nucleotide position 2398. The serine at codon 800 is replaced by proline, an amino acid with similar properties. This amino acid position is conserved. In addition, this alteration is predicted to be deleterious by in silico analysis. Based on the available evidence, the clinical significance of this variant remains unclear.

Color Diagnostics, LLC DBA Color Health
Classification: Uncertain significance for Hereditary cancer-predisposing syndrome. Last evaluated: 2024-03-06. Review status: criteria provided, single submitter. Criteria: ACMG Guidelines, 2015. Collection method: clinical testing. Allele origin: germline.
Comment: This missense variant replaces serine with proline at codon 800 of the ATM protein. Computational prediction suggests that this variant may not impact protein structure and function (internally defined REVEL score threshold <= 0.5, PMID: 27666373). To our knowledge, functional studies have not been reported for this variant. This variant has not been reported in individuals affected with hereditary cancer in the literature. This variant has not been identified in the general population by the Genome Aggregation Database (gnomAD). The available evidence is insufficient to determine the role of this variant in disease conclusively. Therefore, this variant is classified as a Variant of Uncertain Significance.

NM_000051.4(ATM):c.2398T>C (p.Ser800Pro)

Gene: ATM (ATM serine/threonine kinase; plus strand). Cytogenetic location: 11q22.3.
Variant type: single nucleotide variant.
Coding change: c.2398T>C on transcript NM_000051.4 (MANE Select); coding-DNA position 2398, T replaced by C.
Protein change: p.Ser800Pro; replaces serine 800 with proline.
Molecular consequence: missense variant.
Genome position (GRCh38, 1-based): chr11:108,259,007, T>C. VCF-style: chr11-108259007-T-C. GRCh37 (hg19) VCF-style: chr11-108129734-T-C.
Other names: c.2398T>C, p.Ser800Pro (NM_001351834.2); short protein forms S800P.
Identifiers: ClinVar variation 1331952 (VCV001331952.4), dbSNP rs2135420989, ClinGen allele CA382541120.